The following is an entry in ClinVar:

ClinVar aggregate classification (germline): Likely pathogenic (1 of 4 stars; one submission).

Conditions:
Ciliary dyskinesia, primary, 52 (CILD52). Also called: CILIARY DYSKINESIA, PRIMARY, 52, WITH OR WITHOUT SITUS INVERSUS. Identifiers: MedGen C5882714, MONDO:0957922, OMIM 620570.

Submission:

First Genomix Gene Laboratory, Genetic Diagnostics Department
Classification: Likely pathogenic for Ciliary dyskinesia, primary, 52. Last evaluated: 2025-08-27. Review status: criteria provided, single submitter. Criteria: ACMG Guidelines, 2015. Collection method: clinical testing. Allele origin: germline. Inheritance: Autosomal recessive inheritance. Affected: no. Observed: 1 variant allele.

NM_178821.3(DAW1):c.781dup (p.Cys261fs)

Gene: DAW1 (dynein assembly factor with WD repeats 1; plus strand). Cytogenetic location: 2q36.3.
Variant type: Duplication.
Coding change: c.781dup on transcript NM_178821.3 (MANE Select); coding-DNA position 781, one base duplicated (T; older notation c.781dupT).
Protein change: p.Cys261fs; shifts the reading frame from cysteine 261.
Molecular consequence: frameshift variant. On other transcripts: non-coding transcript variant (1).
Genome position (GRCh38, 1-based): chr2:227,906,261, T duplicated; the last of 2 consecutive T bases (chr2:227,906,260-227,906,261); duplicating either gives the same sequence. VCF-style (leftmost placement, unchanged base first): chr2-227906259-A-AT. GRCh37 (hg19) VCF-style: chr2-228770975-A-AT.
Other names: c.736dup, p.Cys246fs (NM_001330004.2); c.781dupT (NM_178821.3); short protein forms C246fs, C261fs.
Identifiers: ClinVar variation 4850386 (VCV004850386.1).
Genomic context (GRCh38, chr2:227,906,259, plus strand): 5'-ATATCTTTCACTAGTTTTAATTATTTTTGTGTTGTAGGAAGGTAAATATCTTAATTGGTC[A>AT]TTGTGCTGAGATTAGCAGTGCCTCATTCAATTGGGATTGCTCTCTAATATTAACTGGCTC-3'